The following is an entry in ClinVar:

ClinVar aggregate classification (germline): Uncertain significance. Review status: criteria provided, multiple submitters, no conflicts (2 of 4 stars). 2 submissions from 2 submitters: Uncertain significance (2). Last evaluated 2025-08-31.

Conditions:
Hypertrophic cardiomyopathy 14. Identifiers: MedGen C2750467, MONDO:0013197, OMIM 613251.
Cardiovascular phenotype. Identifiers: MedGen CN230736.

Submissions (2):

Ambry Genetics
Classification: Uncertain significance for Cardiovascular phenotype. Last evaluated: 2025-08-31. Review status: criteria provided, single submitter. Criteria: Ambry Variant Classification Scheme 2023. Collection method: clinical testing. Allele origin: germline.
Comment: The p.Q1239E variant (also known as c.3715C>G), located in coding exon 24 of the MYH6 gene, results from a C to G substitution at nucleotide position 3715. The glutamine at codon 1239 is replaced by glutamic acid, an amino acid with highly similar properties. This amino acid position is conserved. In addition, this alteration is predicted to be tolerated by in silico analysis. Based on the available evidence, the clinical significance of this variant remains unclear.

Labcorp Genetics (formerly Invitae), Labcorp
Classification: Uncertain significance for Hypertrophic cardiomyopathy 14. Last evaluated: 2022-04-11. Review status: criteria provided, single submitter. Criteria: Invitae Variant Classification Sherloc (09022015). Collection method: clinical testing. Allele origin: germline.
Comment: In summary, the available evidence is currently insufficient to determine the role of this variant in disease. Therefore, it has been classified as a Variant of Uncertain Significance. Algorithms developed to predict the effect of missense changes on protein structure and function are either unavailable or do not agree on the potential impact of this missense change (SIFT: "Deleterious"; PolyPhen-2: "Benign"; Align-GVGD: "Class C0"). This variant has not been reported in the literature in individuals affected with MYH6-related conditions. This variant is not present in population databases (gnomAD no frequency). This sequence change replaces glutamine, which is neutral and polar, with glutamic acid, which is acidic and polar, at codon 1239 of the MYH6 protein (p.Gln1239Glu).

NM_002471.4(MYH6):c.3715C>G (p.Gln1239Glu)

Gene: MYH6 (myosin heavy chain 6; minus strand). Cytogenetic location: 14q11.2.
Variant type: single nucleotide variant.
Coding change: c.3715C>G on transcript NM_002471.4 (MANE Select); coding-DNA position 3715, C replaced by G.
Protein change: p.Gln1239Glu; replaces glutamine 1239 with glutamic acid.
Molecular consequence: missense variant.
Genome position (GRCh38, 1-based): chr14:23,390,074, G>C on the plus strand (C>G on the coding strand, the complement: MYH6 is on the minus strand). VCF-style: chr14-23390074-G-C. GRCh37 (hg19) VCF-style: chr14-23859283-G-C.
Other names: short protein forms Q1239E.
Identifiers: ClinVar variation 2124562 (VCV002124562.5), dbSNP rs2502159066, ClinGen allele CA389005104.